The following is an entry in ClinVar:

ClinVar aggregate classification (germline): Likely pathogenic (1 of 4 stars; one submission).

Conditions:
Maple syrup urine disease type 1A (MSUD1A). Also called: MSUD type 1A. Identifiers: MedGen C1855369, MONDO:0023691, OMIM 248600.

gnomAD v4.1: 1 of 1,614,202 alleles (0.000062%); highest among the groups gnomAD compares: South Asian, 0.0011%; no homozygotes.

Submission:

First Genomix Gene Laboratory, Genetic Diagnostics Department
Classification: Likely pathogenic for Maple syrup urine disease type 1A. Last evaluated: 2025-12-31. Review status: criteria provided, single submitter. Criteria: ACMG Guidelines, 2015. Collection method: clinical testing. Allele origin: germline. Inheritance: Autosomal recessive inheritance. Affected: no. Observed: 1 variant allele.

NM_000709.4(BCKDHA):c.784T>A (p.Phe262Ile)

Gene: BCKDHA (branched chain keto acid dehydrogenase E1 subunit alpha; plus strand). Cytogenetic location: 19q13.2.
Variant type: single nucleotide variant.
Coding change: c.784T>A on transcript NM_000709.4 (MANE Select); coding-DNA position 784, T replaced by A.
Protein change: p.Phe262Ile; replaces phenylalanine 262 with isoleucine.
Molecular consequence: missense variant.
Genome position (GRCh38, 1-based): chr19:41,422,301, T>A. VCF-style: chr19-41422301-T-A. GRCh37 (hg19) VCF-style: chr19-41928206-T-A.
Other names: c.784T>A, p.Phe262Ile (NM_001164783.2); short protein forms F262I.
Identifiers: ClinVar variation 4850634 (VCV004850634.1).